The following is an entry in ClinVar:

ClinVar aggregate classification (germline): Uncertain significance (1 of 4 stars; one submission).

Allele frequency attached by ClinVar (database versions not stated): gnomAD exomes below 0.00001; TOPMed below 0.00001.
gnomAD v4.1: 1 of 1,614,172 alleles (0.000062%); highest among the groups gnomAD compares: Non-Finnish European, 0.000085%; no homozygotes.

Submission:

Ambry Genetics
Classification: Uncertain significance. Last evaluated: 2024-01-17. Review status: criteria provided, single submitter. Criteria: Ambry Variant Classification Scheme 2023. Collection method: clinical testing. Allele origin: germline.
Comment: The p.P384L variant (also known as c.1151C>T), located in coding exon 10 of the BUB1 gene, results from a C to T substitution at nucleotide position 1151. The proline at codon 384 is replaced by leucine, an amino acid with similar properties. This amino acid position is conserved. In addition, this alteration is predicted to be tolerated by in silico analysis. Since supporting evidence is limited at this time, the clinical significance of this alteration remains unclear.

NM_004336.5(BUB1):c.1151C>T (p.Pro384Leu)

Gene: BUB1 (BUB1 mitotic checkpoint serine/threonine kinase; minus strand). Cytogenetic location: 2q13.
Variant type: single nucleotide variant.
Coding change: c.1151C>T on transcript NM_004336.5 (MANE Select); coding-DNA position 1151, C replaced by T.
Protein change: p.Pro384Leu; replaces proline 384 with leucine.
Molecular consequence: missense variant.
Genome position (GRCh38, 1-based): chr2:110,661,648, G>A on the plus strand (C>T on the coding strand, the complement: BUB1 is on the minus strand). VCF-style: chr2-110661648-G-A. GRCh37 (hg19) VCF-style: chr2-111419225-G-A.
Other names: c.1091C>T, p.Pro364Leu (NM_001278616.2); c.1151C>T, p.Pro384Leu (NM_001278617.2); short protein forms P364L, P384L.
Identifiers: ClinVar variation 1734154 (VCV001734154.2), dbSNP rs1690100185, ClinGen allele CA348214305.
Genomic context (GRCh38, chr2:110,661,648, plus strand): 5'-TCTTTGCTGGCCACTGCAAACATGGAGTCTGTTACTGTCTGGGCTTTCAAAGGAACAGGA[G>A]GAGCAATGCTCTGGCTGGTGGCTGGGGACACCAAAGCTGCAGAAATAGCATTTGCCAAAG-3'
Protein context (NP_004327.1, residues 374-394): VSPATSQSIA[Pro384Leu]PVPLKAQTVT